The following is an entry in ClinVar:

ClinVar aggregate classification (germline): Uncertain significance. Review status: criteria provided, single submitter (1 of 4 stars). 2 submissions from 2 submitters: Uncertain significance (1). 1 of the submissions does not count toward it. Last evaluated 2021-09-01.

Conditions:
Nemaline myopathy 2 (NEM2). Also called: Nemaline myopathy 2, autosomal recessive. Identifiers: MedGen C1850569, MONDO:0009725, OMIM 256030.

Allele frequency attached by ClinVar (database versions not stated): gnomAD exomes below 0.00001.
gnomAD v4.1: 1 of 1,600,316 alleles (0.000062%); highest among the groups gnomAD compares: Admixed American, 0.0017%; no homozygotes.

Submissions (2):

Labcorp Genetics (formerly Invitae), Labcorp
Classification: Uncertain significance for Nemaline myopathy 2. Last evaluated: 2021-09-01. Review status: criteria provided, single submitter. Criteria: Invitae Variant Classification Sherloc (09022015). Collection method: clinical testing. Allele origin: germline.
Comment: This sequence change replaces asparagine with serine at codon 3478 of the NEB protein (p.Asn3478Ser). The asparagine residue is moderately conserved and there is a small physicochemical difference between asparagine and serine. This variant is not present in population databases (ExAC no frequency). This variant has not been reported in the literature in individuals affected with NEB-related conditions. Algorithms developed to predict the effect of missense changes on protein structure and function are either unavailable or do not agree on the potential impact of this missense change (SIFT: "Deleterious"; PolyPhen-2: "Not Available"; Align-GVGD: "Class C0"). Algorithms developed to predict the effect of sequence changes on RNA splicing suggest that this variant may create or strengthen a splice site. In summary, the available evidence is currently insufficient to determine the role of this variant in disease. Therefore, it has been classified as a Variant of Uncertain Significance.

Natera, Inc.
Classification: Uncertain significance for Nemaline myopathy type 2. Last evaluated: 2025-03-31. Review status: no assertion criteria provided. Collection method: clinical testing. Allele origin: germline. Not counted in ClinVar's aggregate classification.

NM_001164508.2(NEB):c.10433A>G (p.Asn3478Ser)

Gene: NEB (nebulin; minus strand). Cytogenetic location: 2q23.3.
Variant type: single nucleotide variant.
Coding change: c.10433A>G on transcript NM_001164508.2 (MANE Select); coding-DNA position 10433, A replaced by G.
Protein change: p.Asn3478Ser; replaces asparagine 3478 with serine.
Molecular consequence: missense variant.
Genome position (GRCh38, 1-based): chr2:151,625,553, T>C on the plus strand (A>G on the coding strand, the complement: NEB is on the minus strand). VCF-style: chr2-151625553-T-C. GRCh37 (hg19) VCF-style: chr2-152482067-T-C.
Other names: c.10433A>G, p.Asn3478Ser (NM_001164507.2, NM_001271208.2); c.9704A>G, p.Asn3235Ser (NM_004543.5); short protein forms N3478S, N3235S.
Identifiers: ClinVar variation 646192 (VCV000646192.4), dbSNP rs1246003078, ClinGen allele CA348790912.
Genomic context (GRCh38, chr2:151,625,553, plus strand): 5'-TCAATGTGGCCAGACCAAAGAAATAAAACAAATGATCTTACCTCACTATAATTTATTTTA[T>C]TTTGTCTTGCCAACATGATTTCAGGTGTATCAGGCATAATATGGACTTGGGTCTTGTCTT-3'
Protein context (NP_001157980.2, residues 3468-3488): DTPEIMLARQ[Asn3478Ser]KINYSESLYR